The following is an entry in ClinVar:

ClinVar aggregate classification (germline): Likely benign (1 of 4 stars; one submission).

Submission:

CeGaT Center for Human Genetics Tuebingen
Classification: Likely benign. Last evaluated: 2025-10-01. Review status: criteria provided, single submitter. Criteria: CeGaT Center For Human Genetics Tuebingen Variant Classification Criteria Version 2. Collection method: clinical testing. Allele origin: germline. Affected: yes. Observed: 1 variant allele.
Comment: NOTCH2: PM2:Supporting, BP4, BP7

NM_024408.4(NOTCH2):c.1308G>C (p.Thr436=)

Gene: NOTCH2 (notch receptor 2; minus strand). Cytogenetic location: 1p12.
Variant type: single nucleotide variant.
Coding change: c.1308G>C on transcript NM_024408.4 (MANE Select); coding-DNA position 1308, G replaced by C.
Protein change: p.Thr436=; no amino-acid change (threonine 436 retained).
Molecular consequence: synonymous variant.
Genome position (GRCh38, 1-based): chr1:119,967,578, C>G on the plus strand (G>C on the coding strand, the complement: NOTCH2 is on the minus strand). VCF-style: chr1-119967578-C-G. GRCh37 (hg19) VCF-style: chr1-120510201-C-G.
Other names: c.1308G>C, p.Thr436= (NM_001200001.2).
Identifiers: ClinVar variation 4535029 (VCV004535029.6).